The following is an entry in ClinVar:

ClinVar aggregate classification (germline): Uncertain significance (1 of 4 stars; one submission).

Conditions:
Autosomal dominant Parkinson disease 8. Also called: LRRK2-Related Parkinson Disease; Parkinson disease 8; Parkinson disease 8, susceptibility to. Identifiers: Orphanet 411602, MedGen C1846862, MONDO:0011764, OMIM 607060.

gnomAD v4.1: 19 of 1,610,902 alleles (0.0012%); highest among the groups gnomAD compares: South Asian, 0.0033%; no homozygotes.

Submission:

Labcorp Genetics (formerly Invitae), Labcorp
Classification: Uncertain significance for Autosomal dominant Parkinson disease 8. Last evaluated: 2024-12-15. Review status: criteria provided, single submitter. Criteria: Invitae Variant Classification Sherloc (09022015). Collection method: clinical testing. Allele origin: germline.
Comment: This sequence change replaces alanine, which is neutral and non-polar, with threonine, which is neutral and polar, at codon 370 of the LRRK2 protein (p.Ala370Thr). The frequency data for this variant in the population databases is considered unreliable, as metrics indicate poor data quality at this position in the gnomAD database. This variant has not been reported in the literature in individuals affected with LRRK2-related conditions. Invitae Evidence Modeling of protein sequence and biophysical properties (such as structural, functional, and spatial information, amino acid conservation, physicochemical variation, residue mobility, and thermodynamic stability) has been performed for this missense variant. However, the output from this modeling did not meet the statistical confidence thresholds required to predict the impact of this variant on LRRK2 protein function. In summary, the available evidence is currently insufficient to determine the role of this variant in disease. Therefore, it has been classified as a Variant of Uncertain Significance.

NM_198578.4(LRRK2):c.1108G>A (p.Ala370Thr)

Gene: LRRK2 (leucine rich repeat kinase 2; plus strand). Cytogenetic location: 12q12.
Variant type: single nucleotide variant.
Coding change: c.1108G>A on transcript NM_198578.4 (MANE Select); coding-DNA position 1108, G replaced by A.
Protein change: p.Ala370Thr; replaces alanine 370 with threonine.
Molecular consequence: missense variant.
Genome position (GRCh38, 1-based): chr12:40,251,471, G>A. VCF-style: chr12-40251471-G-A. GRCh37 (hg19) VCF-style: chr12-40645273-G-A.
Other names: short protein forms A370T.
Identifiers: ClinVar variation 3708574 (VCV003708574.1).